The following is an entry in ClinVar:

NM_002206.3(ITGA7):c.2270G>A (p.Gly757Asp)

Genes: ITGA7 (integrin subunit alpha 7; minus strand), LOC126861535 (CDK7 strongly-dependent group 2 enhancer GRCh37_chr12:56087579-56088778; plus strand). Cytogenetic location: 12q13.2.
Variant type: single nucleotide variant.
Coding change: c.2270G>A on transcript NM_002206.3 (MANE Select); coding-DNA position 2270, G replaced by A.
Protein change: p.Gly757Asp; replaces glycine 757 with aspartic acid.
Molecular consequence: missense variant.
Genome position (GRCh38, 1-based): chr12:55,694,622, C>T on the plus strand (G>A on the coding strand, the complement: ITGA7 is on the minus strand). VCF-style: chr12-55694622-C-T. GRCh37 (hg19) VCF-style: chr12-56088406-C-T.
Other names: c.2282G>A, p.Gly761Asp (NM_001144996.2); c.1991G>A, p.Gly664Asp (NM_001144997.2); c.1943G>A, p.Gly648Asp (NM_001367993.1); c.926G>A, p.Gly309Asp (NM_001367994.1); c.2252G>A, p.Gly751Asp (NM_001374465.1); c.2402G>A, p.Gly801Asp (NM_001410977.1); c.2264G>A, p.Gly755Asp (NM_001414029.1); c.2195G>A, p.Gly732Asp (NM_001414030.1); and 5 more; short protein forms G757D, G761D, G309D, G648D, G664D, G751D, G801D, G717D.
Identifiers: ClinVar variation 941503 (VCV000941503.7), dbSNP rs968147262, ClinGen allele CA237568960.

ClinVar aggregate classification (germline): Uncertain significance (1 of 4 stars; one submission).

Conditions:
Congenital muscular dystrophy due to integrin alpha-7 deficiency. Also called: Congenital muscular dystrophy with integrin alpha-7 deficiency; Muscular dystrophy, congenital, due to ITGA7 deficiency; MYOPATHY, CONGENITAL, DUE TO INTEGRIN ALPHA-7 DEFICIENCY. Identifiers: Orphanet 34520, MedGen C2750786, MONDO:0013177, OMIM 613204.

Allele frequency attached by ClinVar (database versions not stated): gnomAD 0.00002; gnomAD exomes 0.00002 and 0.00003; TOPMed 0.00004.
gnomAD v4.1: 48 of 1,613,950 alleles (0.003%); highest among the groups gnomAD compares: Admixed American, 0.005%; no homozygotes.

Submission:

Labcorp Genetics (formerly Invitae), Labcorp
Classification: Uncertain significance for Congenital muscular dystrophy due to integrin alpha-7 deficiency. Last evaluated: 2021-08-31. Review status: criteria provided, single submitter. Criteria: Invitae Variant Classification Sherloc (09022015). Collection method: clinical testing. Allele origin: germline.
Comment: This sequence change replaces glycine with aspartic acid at codon 757 of the ITGA7 protein (p.Gly757Asp). The glycine residue is moderately conserved and there is a moderate physicochemical difference between glycine and aspartic acid. This variant is not present in population databases (ExAC no frequency). This variant has not been reported in the literature in individuals affected with ITGA7-related conditions. Algorithms developed to predict the effect of missense changes on protein structure and function output the following: SIFT: "Tolerated"; PolyPhen-2: "Benign"; Align-GVGD: "Class C0". The aspartic acid amino acid residue is found in multiple mammalian species, which suggests that this missense change does not adversely affect protein function. In summary, the available evidence is currently insufficient to determine the role of this variant in disease. Therefore, it has been classified as a Variant of Uncertain Significance.